The following is an entry in ClinVar:

ClinVar aggregate classification (germline): Pathogenic (1 of 4 stars; one submission).

Conditions:
Hypokalemic periodic paralysis, type 1. Also called: Hypokalemic Periodic Paralysis Type 1 (AD); HypoPP. Identifiers: Orphanet 681, MedGen C3714580, MONDO:0042979, OMIM 170400.
Malignant hyperthermia, susceptibility to, 5 (MHS5). Also called: CACNA1S-Related Malignant Hyperthermia Susceptibility. Identifiers: Orphanet 423, MedGen C1866077, MONDO:0011163, OMIM 601887.

Submission:

Labcorp Genetics (formerly Invitae), Labcorp
Classification: Pathogenic for Hypokalemic periodic paralysis, type 1; Malignant hyperthermia, susceptibility to, 5. Last evaluated: 2024-03-16. Review status: criteria provided, single submitter. Criteria: Invitae Variant Classification Sherloc (09022015). Collection method: clinical testing. Allele origin: germline.
Comment: This sequence change creates a premature translational stop signal (p.Arg29Glyfs*6) in the CACNA1S gene. It is expected to result in an absent or disrupted protein product. Loss-of-function variants in CACNA1S are known to be pathogenic (PMID: 26247046, 28012042). This variant is not present in population databases (gnomAD no frequency). This variant has not been reported in the literature in individuals affected with CACNA1S-related conditions. ClinVar contains an entry for this variant (Variation ID: 1459071). For these reasons, this variant has been classified as Pathogenic.

Literature cited by the submitters: PubMed 26247046; PubMed 28012042.

NM_000069.3(CACNA1S):c.85del (p.Arg29fs)

Gene: CACNA1S (calcium voltage-gated channel subunit alpha1 S; minus strand). Cytogenetic location: 1q32.1.
Variant type: Deletion.
Coding change: c.85del on transcript NM_000069.3 (MANE Select); coding-DNA position 85, one base deleted (C; older notation c.85delC).
Protein change: p.Arg29fs; shifts the reading frame from arginine 29.
Molecular consequence: frameshift variant.
Genome position (GRCh38, 1-based): chr1:201,112,255, G deleted on the plus strand (C on the coding strand, the reverse complement: CACNA1S is on the minus strand); the first of 4 consecutive G bases (chr1:201,112,255-201,112,258); deleting any one gives the same sequence. VCF-style (leftmost placement, unchanged base first): chr1-201112254-CG-C. GRCh37 (hg19) VCF-style: chr1-201081382-CG-C.
Other names: short protein forms R29fs.
Identifiers: ClinVar variation 1459071 (VCV001459071.6), dbSNP rs2102193959, ClinGen allele CA2573131478.